The following is an entry in ClinVar:

NM_000369.5(TSHR):c.1169G>T (p.Cys390Phe)

Genes: TSHR (thyroid stimulating hormone receptor; plus strand), TSHR-AS1 (TSHR antisense RNA 1; minus strand). Cytogenetic location: 14q31.1.
Variant type: single nucleotide variant.
Coding change: c.1169G>T on transcript NM_000369.5 (MANE Select); coding-DNA position 1169, G replaced by T.
Protein change: p.Cys390Phe; replaces cysteine 390 with phenylalanine.
Molecular consequence: missense variant.
Genome position (GRCh38, 1-based): chr14:81,143,227, G>T. VCF-style: chr14-81143227-G-T. GRCh37 (hg19) VCF-style: chr14-81609571-G-T.
Other names: short protein forms C390F.
Identifiers: ClinVar variation 2136258 (VCV002136258.2), dbSNP rs371139156, ClinGen allele CA7294399.

ClinVar aggregate classification (germline): Uncertain significance. Review status: criteria provided, multiple submitters, no conflicts (2 of 4 stars). 2 submissions from 2 submitters: Uncertain significance (2). Last evaluated 2023-12-13.

Allele frequency attached by ClinVar (database versions not stated): ExAC 0.00002; gnomAD exomes 0.00003; TOPMed 0.00003; gnomAD 0.00005; ESP Exome Variant Server 0.00008.
gnomAD v4.1: 54 of 1,614,078 alleles (0.0033%); highest among the groups gnomAD compares: East Asian, 0.0089%; no homozygotes.

Submissions (2):

Women's Health and Genetics/Laboratory Corporation of America, LabCorp
Classification: Uncertain significance. Last evaluated: 2023-12-13. Review status: criteria provided, single submitter. Criteria: LabCorp Variant Classification Summary - May 2015. Collection method: clinical testing. Allele origin: germline.
Comment: Variant summary: TSHR c.1169G>T (p.Cys390Phe) results in a non-conservative amino acid change in the encoded protein sequence. This alters a highly conserved residue in which another missense variant has been found in association with disease (HGMD). Five of five in-silico tools predict a damaging effect of the variant on protein function. The variant allele was found at a frequency of 2.4e-05 in 251476 control chromosomes (gnomAD). c.1169G>T has been reported in the literature in the compound heterozygous state in individuals affected with congenital hypothyroidism (e.g. Wang_2020, Yamaguchi_2020). These data indicate that the variant may be associated with disease. To our knowledge, no experimental evidence demonstrating an impact on protein function has been reported. The following publications have been ascertained in the context of this evaluation (PMID: 23412867, 32425884, 32459320, 32469330). One submitter has cited a clinical-significance assessment for this variant to ClinVar after 2014 and has classified the variant as uncertain significance. Based on the evidence outlined above, the variant was classified as VUS-possibly pathogenic.

GeneDx
Classification: Uncertain significance. Last evaluated: 2022-07-19. Review status: criteria provided, single submitter. Criteria: GeneDx Variant Classification Process June 2021. Collection method: clinical testing. Allele origin: germline. Affected: yes.
Comment: Identified in two patients with congenital hypothyroidism who harbored a second TSHR variant (phase unknown) as well as a variant in the DUOX2 gene and in one of the patients, an additional variant in the TPO gene in published literature (Wang et al., 2020; Yamaguchi et al., 2020); In silico analysis supports that this missense variant has a deleterious effect on protein structure/function; Not observed at significant frequency in large population cohorts (gnomAD); This variant is associated with the following publications: (PMID: 23412867, 32459320, 32425884)

Literature cited by the submitters: PubMed 32425884 (cited by Women's Health and Genetics/Laboratory Corporation of America, LabCorp); PubMed 32459320 (cited by Women's Health and Genetics/Laboratory Corporation of America, LabCorp); PubMed 32469330 (cited by Women's Health and Genetics/Laboratory Corporation of America, LabCorp); PubMed 23412867 (cited by Women's Health and Genetics/Laboratory Corporation of America, LabCorp).